The following is an entry in ClinVar:

ClinVar aggregate classification (germline): Likely benign. Review status: criteria provided, multiple submitters, no conflicts (2 of 4 stars). 3 submissions from 3 submitters: Likely benign (3). Last evaluated 2025-05-01.

Conditions:
CWC27-related disorder. Also called: CWC27-related condition.

Allele frequency attached by ClinVar (database versions not stated): 1000 Genomes Project 0.00060; 1000 Genomes Project 30x 0.00078; gnomAD exomes 0.00004; gnomAD 0.00009; TOPMed 0.00011.
gnomAD v4.1: 80 of 1,525,004 alleles (0.0052%); highest among the groups gnomAD compares: East Asian, 0.13%; 1 homozygote.

Submissions (3):

PreventionGenetics, part of Exact Sciences
Classification: Likely benign for CWC27-related condition. Last evaluated: 2025-05-01. Review status: criteria provided, single submitter. Criteria: ACMG Guidelines, 2015. Collection method: clinical testing. Allele origin: germline.
Comment: This variant is classified as likely benign based on ACMG/AMP sequence variant interpretation guidelines (Richards et al. 2015 PMID: 25741868, with internal and published modifications).

Blueprint Genetics
Classification: Likely benign. Last evaluated: 2024-05-02. Review status: criteria provided, single submitter. Criteria: ACMG Guidelines, 2015. Collection method: clinical testing. Allele origin: germline.

CeGaT Center for Human Genetics Tuebingen
Classification: Likely benign. Last evaluated: 2023-10-01. Review status: criteria provided, single submitter. Criteria: CeGaT Center For Human Genetics Tuebingen Variant Classification Criteria Version 2. Collection method: clinical testing. Allele origin: germline. Affected: yes. Observed: 1 variant allele.
Comment: CWC27: BP4

NM_005869.4(CWC27):c.938+3206T>C

Gene: CWC27 (CWC27 spliceosome associated cyclophilin; plus strand). Cytogenetic location: 5q12.3.
Variant type: single nucleotide variant.
Coding change: c.938+3206T>C on transcript NM_005869.4 (MANE Select); 3206 bases into the intron after coding-DNA position 938, T replaced by C.
Molecular consequence: intron variant.
Genome position (GRCh38, 1-based): chr5:64,807,592, T>C. VCF-style: chr5-64807592-T-C. GRCh37 (hg19) VCF-style: chr5-64103419-T-C.
Other names: c.939-7T>C (NM_001297645.1, NM_001297645.2); c.938+3206T>C (NM_001297644.1, NM_001364478.1, NM_001318000.2).
Identifiers: ClinVar variation 2655492 (VCV002655492.26), dbSNP rs571871946, ClinGen allele CA119786618.